The following is an entry in ClinVar:

ClinVar aggregate classification (germline): Uncertain significance. Review status: criteria provided, multiple submitters, no conflicts (2 of 4 stars). 2 submissions from 2 submitters: Uncertain significance (2). Last evaluated 2025-01-12.

Conditions:
Cardiovascular phenotype. Identifiers: MedGen CN230736.
Familial thoracic aortic aneurysm and aortic dissection (TAAD). Also called: Thoracic aortic aneurysms and dissections. Identifiers: Orphanet 91387, MedGen C4707243, MONDO:0019625.

Allele frequency attached by ClinVar (database versions not stated): gnomAD exomes below 0.00001.
gnomAD v4.1: 2 of 1,614,014 alleles (0.00012%); highest among the groups gnomAD compares: Non-Finnish European, 0.00017%; no homozygotes.

Submissions (2):

Labcorp Genetics (formerly Invitae), Labcorp
Classification: Uncertain significance for Familial thoracic aortic aneurysm and aortic dissection. Last evaluated: 2025-01-12. Review status: criteria provided, single submitter. Criteria: Invitae Variant Classification Sherloc (09022015). Collection method: clinical testing. Allele origin: germline.
Comment: This sequence change replaces proline, which is neutral and non-polar, with threonine, which is neutral and polar, at codon 115 of the MAT2A protein (p.Pro115Thr). This variant is not present in population databases (gnomAD no frequency). This variant has not been reported in the literature in individuals affected with MAT2A-related conditions. ClinVar contains an entry for this variant (Variation ID: 1731445). Invitae Evidence Modeling of protein sequence and biophysical properties (such as structural, functional, and spatial information, amino acid conservation, physicochemical variation, residue mobility, and thermodynamic stability) indicates that this missense variant is not expected to disrupt MAT2A protein function with a negative predictive value of 80%. In summary, the available evidence is currently insufficient to determine the role of this variant in disease. Therefore, it has been classified as a Variant of Uncertain Significance.

Ambry Genetics
Classification: Uncertain significance for Cardiovascular phenotype. Last evaluated: 2019-12-03. Review status: criteria provided, single submitter. Criteria: Ambry Variant Classification Scheme 2023. Collection method: clinical testing. Allele origin: germline.
Comment: The p.P115T variant (also known as c.343C>A), located in coding exon 4 of the MAT2A gene, results from a C to A substitution at nucleotide position 343. The proline at codon 115 is replaced by threonine, an amino acid with highly similar properties. This amino acid position is highly conserved in available vertebrate species. In addition, this alteration is predicted to be deleterious by in silico analysis. Since supporting evidence is limited at this time, the clinical significance of this alteration remains unclear.

NM_005911.6(MAT2A):c.343C>A (p.Pro115Thr)

Genes: GGCX (gamma-glutamyl carboxylase; minus strand), MAT2A (methionine adenosyltransferase 2A; plus strand). Cytogenetic location: 2p11.2.
Variant type: single nucleotide variant.
Coding change: c.343C>A on transcript NM_005911.6 (MANE Select); coding-DNA position 343, C replaced by A.
Protein change: p.Pro115Thr; replaces proline 115 with threonine.
Molecular consequence: missense variant.
Genome position (GRCh38, 1-based): chr2:85,541,683, C>A. VCF-style: chr2-85541683-C-A. GRCh37 (hg19) VCF-style: chr2-85768806-C-A.
Other names: short protein forms P115T.
Identifiers: ClinVar variation 1731445 (VCV001731445.4), dbSNP rs2529630638, ClinGen allele CA347476381.
Genomic context (GRCh38, chr2:85,541,683, plus strand): 5'-TTGCTTATAGGTTTTGACTACAAGACTTGTAACGTGCTGGTAGCCTTGGAGCAACAGTCA[C>A]CAGATATTGCTCAAGGTGTTCATCTTGACAGAAATGAAGAAGACATTGGTGCTGGAGACC-3'
Protein context (NP_005902.1, residues 105-125): NVLVALEQQS[Pro115Thr]DIAQGVHLDR